The following is an entry in ClinVar:

NM_000038.6(APC):c.250G>A (p.Gly84Arg)

Gene: APC (APC regulator of Wnt signaling pathway; plus strand). Cytogenetic location: 5q22.2.
Variant type: single nucleotide variant.
Coding change: c.250G>A on transcript NM_000038.6 (MANE Select); coding-DNA position 250, G replaced by A.
Protein change: p.Gly84Arg; replaces glycine 84 with arginine.
Molecular consequence: missense variant. On other transcripts: 5 prime UTR variant (1).
Genome position (GRCh38, 1-based): chr5:112,767,218, G>A. VCF-style: chr5-112767218-G-A. GRCh37 (hg19) VCF-style: chr5-112102915-G-A.
Other names: c.250G>A, p.Gly84Arg (NM_001127510.3, NM_001354895.2, NM_001354896.2 and 16 more transcripts); c.280G>A, p.Gly94Arg (NM_001127511.3, NM_001354897.2, NM_001354902.2 and 1 more transcripts); c.175G>A, p.Gly59Arg (NM_001354898.2, NM_001354904.2, NM_001407451.1); c.73G>A, p.Gly25Arg (NM_001354900.2, NM_001354901.2, NM_001354905.2 and 1 more transcripts); c.-786G>A (NM_001354906.2, NM_001407470.1, NM_001407471.1 and 1 more transcripts); short protein forms G25R, G59R, G84R, G94R.
Identifiers: ClinVar variation 1722329 (VCV001722329.3), dbSNP rs1756435939, ClinGen allele CA16021891.
Genomic context (GRCh38, chr5:112,767,218, plus strand): 5'-TTGTATAAAAACTTGTTTCTATTTTATTTAGAGCTTAACTTAGATAGCAGTAATTTCCCT[G>A]GAGTAAAACTGCGGTCAAAAATGTCCCTCCGTTCTTATGGAAGCCGGGAAGGATCTGTAT-3'
Protein context (NP_000029.2, residues 74-94): ELNLDSSNFP[Gly84Arg]VKLRSKMSLR

ClinVar aggregate classification (germline): Uncertain significance. Review status: criteria provided, multiple submitters, no conflicts (2 of 4 stars). 2 submissions from 2 submitters: Uncertain significance (2). Last evaluated 2025-05-28.

Conditions:
Hereditary cancer-predisposing syndrome. Also called: Neoplastic Syndromes, Hereditary; Tumor predisposition; Hereditary neoplastic syndrome; Hereditary Cancer Syndrome. Identifiers: Orphanet 140162, MedGen C0027672, MeSH D009386, MONDO:0015356.

Submissions (2):

Ambry Genetics
Classification: Uncertain significance for Hereditary cancer-predisposing syndrome. Last evaluated: 2025-05-28. Review status: criteria provided, single submitter. Criteria: Ambry Variant Classification Scheme 2023. Collection method: clinical testing. Allele origin: germline.
Comment: The p.G84R variant (also known as c.250G>A), located in coding exon 3 of the APC gene, results from a G to A substitution at nucleotide position 250. The glycine at codon 84 is replaced by arginine, an amino acid with dissimilar properties. This amino acid position is highly conserved in available vertebrate species. In addition, in silico predictors for this gene do not accurately predict pathogenicity. Missense alterations in APC are not a common cause of disease (Spier I et al. Genet Med. 2024 Feb;26(2):100992). Based on the available evidence, the clinical significance of this variant remains unclear.

Women's Health and Genetics/Laboratory Corporation of America, LabCorp
Classification: Uncertain significance. Last evaluated: 2023-10-09. Review status: criteria provided, single submitter. Criteria: LabCorp Variant Classification Summary - May 2015. Collection method: clinical testing. Allele origin: germline.
Comment: Variant summary: APC c.250G>A (p.Gly84Arg) results in a non-conservative amino acid change in the encoded protein sequence. Five of five in-silico tools predict a damaging effect of the variant on protein function. The variant was absent in 251426 control chromosomes (gnomAD). The available data on variant occurrences in the general population are insufficient to allow any conclusion about variant significance. To our knowledge, no occurrence of c.250G>A in individuals affected with Familial Adenomatous Polyposis and no experimental evidence demonstrating its impact on protein function have been reported. No submitters have cited clinical-significance assessments for this variant to ClinVar after 2014; however, a different variant resulting in the same amino acid change (c.250G>C [p.Gly84Arg], ClinVar: 1478710) has been classified as uncertain significance by one submitter. Based on the evidence outlined above, the variant was classified as uncertain significance.